The following is an entry in ClinVar:

NM_005184.4(CALM3):c.184G>A (p.Gly62Arg)

Gene: CALM3 (calmodulin 3; plus strand). Cytogenetic location: 19q13.32.
Variant type: single nucleotide variant.
Coding change: c.184G>A on transcript NM_005184.4 (MANE Select); coding-DNA position 184, G replaced by A.
Protein change: p.Gly62Arg; replaces glycine 62 with arginine.
Molecular consequence: missense variant.
Genome position (GRCh38, 1-based): chr19:46,608,487, G>A. VCF-style: chr19-46608487-G-A. GRCh37 (hg19) VCF-style: chr19-47111744-G-A.
Other names: c.76G>A, p.Gly26Arg (NM_001329921.1, NM_001329923.1, NM_001329924.2 and 2 more transcripts); c.184G>A, p.Gly62Arg (NM_001329922.1); short protein forms G26R, G62R.
Identifiers: ClinVar variation 3826957 (VCV003826957.1).
Genomic context (GRCh38, chr19:46,608,487, plus strand): 5'-CGTGTCTCTCAGGGCCCAGGCCAAGAGCATTCTCCATCCTTTCCCCACCTTCCAGGGAAC[G>A]GGACCATTGACTTCCCGGAGTTCCTGACCATGATGGCCAGAAAGATGAAGGACACAGACA-3'
Protein context (NP_005175.2, residues 52-72): MINEVDADGN[Gly62Arg]TIDFPEFLTM

ClinVar aggregate classification (germline): Uncertain significance (1 of 4 stars; one submission).

Conditions:
Cardiovascular phenotype. Identifiers: MedGen CN230736.

gnomAD v4.1: 2 of 1,613,790 alleles (0.00012%); highest among the groups gnomAD compares: Non-Finnish European, 0.00017%; no homozygotes.

Submission:

Ambry Genetics
Classification: Uncertain significance for Cardiovascular phenotype. Last evaluated: 2025-02-05. Review status: criteria provided, single submitter. Criteria: Ambry Variant Classification Scheme 2023. Collection method: clinical testing. Allele origin: germline.
Comment: The p.G62R variant (also known as c.184G>A), located in coding exon 4 of the CALM3 gene, results from a G to A substitution at nucleotide position 184. The glycine at codon 62 is replaced by arginine, an amino acid with dissimilar properties. This amino acid position is highly conserved in available vertebrate species. In addition, this alteration is predicted to be deleterious by in silico analysis. Based on the available evidence, the clinical significance of this variant remains unclear.